The following is an entry in ClinVar:

ClinVar aggregate classification (germline): Pathogenic (1 of 4 stars; one submission).

Conditions:
Duchenne muscular dystrophy (DMD). Also called: Duchenne Muscular Dystrophy (DMD); MUSCULAR DYSTROPHY, PSEUDOHYPERTROPHIC PROGRESSIVE, DUCHENNE TYPE. Identifiers: Orphanet 98896, MedGen C0013264, MONDO:0010679, OMIM 310200.

Submission:

Labcorp Genetics (formerly Invitae), Labcorp
Classification: Pathogenic for Duchenne muscular dystrophy. Last evaluated: 2019-04-19. Review status: criteria provided, single submitter. Criteria: Invitae Variant Classification Sherloc (09022015). Collection method: clinical testing. Allele origin: germline.
Comment: For these reasons, this variant has been classified as Pathogenic. Loss-of-function variants in DMD are known to be pathogenic (PMID: 16770791, 25007885). Similiar deletions have been observed in individuals affected with Duchenne muscular dystrophy (PMID: 24099565, 15684864). This variant is an out-of-frame deletion of the genomic region encompassing exons 33-43 of the DMD gene. This is expected to create a premature translational stop signal and result in an absent or disrupted protein product.

Literature cited by the submitters: PubMed 16770791; PubMed 25007885; PubMed 24099565; PubMed 15684864.

NC_000023.11:g.(?_32287519)_(32386475_?)del

Gene: DMD (dystrophin; minus strand). Cytogenetic location: Xp21.1.
Variant type: Deletion.
Identifiers: ClinVar variation 831164 (VCV000831164.8).